The following is an entry in ClinVar:

NM_002850.4(PTPRS):c.5535G>A (p.Pro1845=)

Gene: PTPRS (protein tyrosine phosphatase receptor type S; minus strand). Cytogenetic location: 19p13.3.
Variant type: single nucleotide variant.
Coding change: c.5535G>A on transcript NM_002850.4 (MANE Select); coding-DNA position 5535, G replaced by A.
Protein change: p.Pro1845=; no amino-acid change (proline 1845 retained).
Molecular consequence: synonymous variant.
Genome position (GRCh38, 1-based): chr19:5,208,344, C>T on the plus strand (G>A on the coding strand, the complement: PTPRS is on the minus strand). VCF-style: chr19-5208344-C-T. GRCh37 (hg19) VCF-style: chr19-5208355-C-T.
Other names: c.5469G>A, p.Pro1823= (NM_001394011.1); c.5448G>A, p.Pro1816= (NM_001394012.1); c.5409G>A, p.Pro1803= (NM_001394013.1); c.4194G>A, p.Pro1398= (NM_130853.3); c.5421G>A, p.Pro1807= (NM_130854.3); c.4206G>A, p.Pro1402= (NM_130855.3).
Identifiers: ClinVar variation 3050393 (VCV003050393.2), dbSNP rs145313091, ClinGen allele CA9108692.

ClinVar aggregate classification (germline): Likely benign (0 of 4 stars; one submission).

Conditions:
PTPRS-related disorder. Also called: PTPRS-related condition.

Allele frequency attached by ClinVar (database versions not stated): 1000 Genomes Project 30x 0.00016; 1000 Genomes Project 0.00020; ExAC 0.00062; ESP Exome Variant Server 0.00069; TOPMed 0.00076; gnomAD 0.00080; gnomAD exomes 0.00082.
gnomAD v4.1: 1,293 of 1,613,590 alleles (0.08%); highest among the groups gnomAD compares: Non-Finnish European, 0.1%; no homozygotes.

Submission:

PreventionGenetics, part of Exact Sciences
Classification: Likely benign for PTPRS-related condition. Last evaluated: 2019-03-27. Review status: no assertion criteria provided. Collection method: clinical testing. Allele origin: germline.
Comment: This variant is classified as likely benign based on ACMG/AMP sequence variant interpretation guidelines (Richards et al. 2015 PMID: 25741868, with internal and published modifications).